The following is an entry in ClinVar:

ClinVar aggregate classification (germline): Uncertain significance (1 of 4 stars; one submission).

Conditions:
Glycogen storage disease due to muscle and heart glycogen synthase deficiency. Also called: GSD 0b; MUSCLE GLYCOGEN SYNTHASE DEFICIENCY. Identifiers: Orphanet 137625, MedGen C1969054, MONDO:0012693, OMIM 611556.

Allele frequency attached by ClinVar (database versions not stated): gnomAD exomes 0.00001; TOPMed 0.00002; gnomAD 0.00003.
gnomAD v4.1: 14 of 1,568,490 alleles (0.00089%); highest among the groups gnomAD compares: East Asian, 0.0045%; no homozygotes.

Submission:

Labcorp Genetics (formerly Invitae), Labcorp
Classification: Uncertain significance for Glycogen storage disease due to muscle and heart glycogen synthase deficiency. Last evaluated: 2022-09-01. Review status: criteria provided, single submitter. Criteria: Invitae Variant Classification Sherloc (09022015). Collection method: clinical testing. Allele origin: germline.
Comment: In summary, the available evidence is currently insufficient to determine the role of this variant in disease. Therefore, it has been classified as a Variant of Uncertain Significance. Variants that disrupt the consensus splice site are a relatively common cause of aberrant splicing (PMID: 17576681, 9536098). Algorithms developed to predict the effect of sequence changes on RNA splicing suggest that this variant may disrupt the consensus splice site. This variant has not been reported in the literature in individuals affected with GYS1-related conditions. This variant is not present in population databases (gnomAD no frequency). This sequence change falls in intron 6 of the GYS1 gene. It does not directly change the encoded amino acid sequence of the GYS1 protein. It affects a nucleotide within the consensus splice site.

Literature cited by the submitters: PubMed 17576681; PubMed 9536098.

NM_002103.5(GYS1):c.941+5G>A

Gene: GYS1 (glycogen synthase 1; minus strand). Cytogenetic location: 19q13.33.
Variant type: single nucleotide variant.
Coding change: c.941+5G>A on transcript NM_002103.5 (MANE Select); 5 bases into the intron after coding-DNA position 941, G replaced by A.
Molecular consequence: intron variant.
Genome position (GRCh38, 1-based): chr19:48,982,715, C>T on the plus strand (G>A on the coding strand, the complement: GYS1 is on the minus strand). VCF-style: chr19-48982715-C-T. GRCh37 (hg19) VCF-style: chr19-49485972-C-T.
Other names: c.749+5G>A (NM_001161587.2).
Identifiers: ClinVar variation 2143455 (VCV002143455.2), dbSNP rs1269843735, ClinGen allele CA883052860.